The following is an entry in ClinVar:

ClinVar aggregate classification (germline): Conflicting classifications of pathogenicity. Review status: criteria provided, conflicting classifications (1 of 4 stars). 6 submissions from 6 submitters: Pathogenic (3); Likely pathogenic (2); Uncertain significance (1). Last evaluated 2026-09-14.

Conditions:
Inborn genetic diseases. Identifiers: MedGen C0950123, MeSH D030342.
MYO15A-related disorder. Also called: MYO15A-related condition.

Submissions (6):

Ambry Genetics
Classification: Pathogenic for Inborn genetic diseases. Last evaluated: 2026-09-14. Review status: criteria provided, single submitter. Criteria: Ambry Variant Classification Scheme 2023. Collection method: clinical testing. Allele origin: germline.
Comment: The c.6004delG (p.E2002Rfs*27) alteration, located in exon 27 (coding exon 26) of the MYO15A gene, consists of a deletion of one nucleotide at position 6004, causing a translational frameshift with a predicted alternate stop codon after 27 amino acids. This variant is expected to result in loss of function by premature protein truncation or nonsense-mediated mRNA decay. Based on data from gnomAD, this allele has an overall frequency of 0.003% (6/221204) total alleles studied. The highest observed frequency was 0.013% (4/31720) of Latino alleles. This variant has been identified in the homozygous state and/or in conjunction with other MYO15A variant(s) in individual(s) with features consistent with MYO15A-related nonsyndromic hearing loss (Imizcoz, 2023). Based on the available evidence, this alteration is classified as pathogenic.

PreventionGenetics, part of Exact Sciences
Classification: Pathogenic for MYO15A-related condition. Last evaluated: 2026-05-18. Review status: criteria provided, single submitter. Criteria: ACMG Guidelines, 2015. Collection method: clinical testing. Allele origin: germline.
Comment: The MYO15A c.6004delG variant is predicted to result in a frameshift and premature protein termination (p.Glu2002Argfs*27). This variant has been reported in compound heterozygous state with a MYO15A pathogenic variant in an individual with hearing loss (Table 2, Imizcoz et al. 2023. PubMed ID: 37811145). This variant is reported in 0.013% of alleles in individuals of Latino descent in gnomAD. This variant has been reported together with a second MYO15A loss-of-function variant in two individuals with hearing loss (Internal data, PreventionGenetics). Frameshift variants in MYO15A are expected to be pathogenic. This variant is interpreted as pathogenic.

Dasa
Classification: Likely pathogenic. Last evaluated: 2025-05-27. Review status: criteria provided, single submitter. Criteria: DASA Assertion Criteria. Collection method: clinical testing. Allele origin: germline.
Comment: NM_016239.4(MYO15A):c.6004del (p.Glu2002Argfs*27) is a frameshift variant in MYO15A predicted to alter the reading frame and introduce a premature termination codon and is predicted to result in an absent or altered protein product. Loss of function is an established disease mechanism for MYO15A-associated disorders. Also, this variant is rare in population databases. Based on the currently available evidence, this variant is classified as likely pathogenic.

Labcorp Genetics (formerly Invitae), Labcorp
Classification: Pathogenic. Last evaluated: 2025-03-30. Review status: criteria provided, single submitter. Criteria: Invitae Variant Classification Sherloc (09022015). Collection method: clinical testing. Allele origin: germline.
Comment: This sequence change creates a premature translational stop signal (p.Glu2002Argfs*27) in the MYO15A gene. It is expected to result in an absent or disrupted protein product. Loss-of-function variants in MYO15A are known to be pathogenic (PMID: 17546645). This variant is present in population databases (rs750578677, gnomAD 0.01%). This variant has not been reported in the literature in individuals affected with MYO15A-related conditions. ClinVar contains an entry for this variant (Variation ID: 2084254). Algorithms developed to predict the effect of sequence changes on RNA splicing suggest that this variant may disrupt the consensus splice site. For these reasons, this variant has been classified as Pathogenic.

GeneDx
Classification: Uncertain significance. Last evaluated: 2024-05-20. Review status: criteria provided, single submitter. Criteria: GeneDx Variant Classification Process June 2021. Collection method: clinical testing. Allele origin: germline. Affected: yes.
Comment: Frameshift variant predicted to result in protein truncation or nonsense mediated decay in a gene for which loss of function is a known mechanism of disease; Has not been previously published as pathogenic or benign to our knowledge

Mayo Clinic Laboratories, Mayo Clinic
Classification: Likely pathogenic. Last evaluated: 2022-05-31. Review status: criteria provided, single submitter. Criteria: ACMG Guidelines, 2015. Collection method: clinical testing. Allele origin: germline. Observed: 1 variant allele.
Comment: PM2, PVS1

Literature cited by the submitters: PubMed 37811145 (cited by Ambry Genetics); PubMed 17546645 (cited by Labcorp Genetics (formerly Invitae), Labcorp).

NM_016239.4(MYO15A):c.6004del (p.Glu2002fs)

Gene: MYO15A (myosin XVA; plus strand). Cytogenetic location: 17p11.2.
Variant type: Deletion.
Coding change: c.6004del on transcript NM_016239.4 (MANE Select); coding-DNA position 6004, one base deleted (G; older notation c.6004delG).
Protein change: p.Glu2002fs; shifts the reading frame from glutamic acid 2002.
Molecular consequence: frameshift variant.
Genome position (GRCh38, 1-based): chr17:18,143,754, G deleted; the last of 2 consecutive G bases (chr17:18,143,753-18,143,754); deleting either gives the same sequence. VCF-style (leftmost placement, unchanged base first): chr17-18143752-TG-T. GRCh37 (hg19) VCF-style: chr17-18047066-TG-T.
Other names: p.Glu2002Argfs*27; c.6004del (NM_016239.3); c.6004delG (NM_016239.3); short protein forms E2002fs.
Identifiers: ClinVar variation 2084254 (VCV002084254.10), dbSNP rs750578677, ClinGen allele CA8424466.